The following is an entry in ClinVar:

ClinVar aggregate classification (germline): Uncertain significance (1 of 4 stars; one submission).

Conditions:
Cardiovascular phenotype. Identifiers: MedGen CN230736.

gnomAD v4.1: 5 of 1,613,294 alleles (0.00031%); highest among the groups gnomAD compares: African/African-American, 0.0013%; no homozygotes.

Submission:

Ambry Genetics
Classification: Uncertain significance for Cardiovascular phenotype. Last evaluated: 2026-06-25. Review status: criteria provided, single submitter. Criteria: Ambry Variant Classification Scheme 2023. Collection method: clinical testing. Allele origin: germline.
Comment: The p.R451G variant (also known as c.1351C>G), located in coding exon 9 of the LMF1 gene, results from a C to G substitution at nucleotide position 1351. The arginine at codon 451 is replaced by glycine, an amino acid with dissimilar properties. This amino acid position is conserved. In addition, this alteration is predicted to be tolerated by in silico analysis. Based on the available evidence, the clinical significance of this variant remains unclear.

NM_022773.4(LMF1):c.1351C>G (p.Arg451Gly)

Gene: LMF1 (lipase maturation factor 1; minus strand). Cytogenetic location: 16p13.3.
Variant type: single nucleotide variant.
Coding change: c.1351C>G on transcript NM_022773.4 (MANE Select); coding-DNA position 1351, C replaced by G.
Protein change: p.Arg451Gly; replaces arginine 451 with glycine.
Molecular consequence: missense variant. On other transcripts: non-coding transcript variant (1), intron variant (1).
Genome position (GRCh38, 1-based): chr16:869,948, G>C on the plus strand (C>G on the coding strand, the complement: LMF1 is on the minus strand). VCF-style: chr16-869948-G-C. GRCh37 (hg19) VCF-style: chr16-919948-G-C.
Other names: c.700C>G, p.Arg234Gly (NM_001352017.2, NM_001352021.2); c.952C>G, p.Arg318Gly (NM_001352018.2); c.1024C>G, p.Arg342Gly (NM_001352019.2); c.1336+15C>G (NM_001352020.1); short protein forms R451G, R234G, R318G, R342G.
Identifiers: ClinVar variation 5023599 (VCV005023599.1).